The following is an entry in ClinVar:

NM_007363.5(NONO):c.481A>G (p.Asn161Asp)

Gene: NONO (non-POU domain containing octamer binding; plus strand). Cytogenetic location: Xq13.1.
Variant type: single nucleotide variant.
Coding change: c.481A>G on transcript NM_007363.5 (MANE Select); coding-DNA position 481, A replaced by G.
Protein change: p.Asn161Asp; replaces asparagine 161 with aspartic acid.
Molecular consequence: missense variant.
Genome position (GRCh38, 1-based): chrX:71,294,359, A>G. VCF-style: chrX-71294359-A-G. GRCh37 (hg19) VCF-style: chrX-70514209-A-G.
Other names: c.481A>G, p.Asn161Asp (NM_001145408.2, NM_001145409.2); c.214A>G, p.Asn72Asp (NM_001145410.2); c.481A>G (NM_001145408.1); short protein forms N161D, N72D.
Identifiers: ClinVar variation 3776351 (VCV003776351.2).

ClinVar aggregate classification (germline): Uncertain significance. Review status: criteria provided, multiple submitters, no conflicts (2 of 4 stars). 2 submissions from 2 submitters: Uncertain significance (2). Last evaluated 2025-03-27.

Conditions:
Inborn genetic diseases. Identifiers: MedGen C0950123, MeSH D030342.

Submissions (2):

Ambry Genetics
Classification: Uncertain significance for Inborn genetic diseases. Last evaluated: 2025-03-27. Review status: criteria provided, single submitter. Criteria: Ambry Variant Classification Scheme 2023. Collection method: clinical testing. Allele origin: germline.

GeneDx
Classification: Uncertain significance. Last evaluated: 2024-10-02. Review status: criteria provided, single submitter. Criteria: GeneDx Variant Classification Process June 2021. Collection method: clinical testing. Allele origin: germline. Affected: yes.
Comment: Not observed at significant frequency in large population cohorts (gnomAD); In silico analysis supports that this missense variant has a deleterious effect on protein structure/function; Has not been previously published as pathogenic or benign to our knowledge